The following is an entry in ClinVar:

NM_006567.5(FARS2):c.194A>T (p.Asn65Ile)

Genes: FARS2 (phenylalanyl-tRNA synthetase 2, mitochondrial; plus strand), LOC126859565 (CDK7 strongly-dependent group 2 enhancer GRCh37_chr6:5368745-5369944; plus strand). Cytogenetic location: 6p25.1.
Variant type: single nucleotide variant.
Coding change: c.194A>T on transcript NM_006567.5 (MANE Select); coding-DNA position 194, A replaced by T.
Protein change: p.Asn65Ile; replaces asparagine 65 with isoleucine.
Molecular consequence: missense variant. On other transcripts: intron variant (2).
Genome position (GRCh38, 1-based): chr6:5,368,764, A>T. VCF-style: chr6-5368764-A-T. GRCh37 (hg19) VCF-style: chr6-5368997-A-T.
Other names: p.Asn65Ile; c.194A>T, p.Asn65Ile (NM_001318872.2, NM_001374875.1, NM_001374876.1 and 5 more transcripts); c.-340-27869A>T (NM_001375260.1); c.-84-35778A>T (NM_001375259.1); short protein forms N65I.
Identifiers: ClinVar variation 4820316 (VCV004820316.1).

ClinVar aggregate classification (germline): Uncertain significance (1 of 4 stars; one submission).

Conditions:
Combined oxidative phosphorylation defect type 14. Also called: Combined oxidative phosphorylation deficiency 14. Identifiers: Orphanet 319519, MedGen C4755312, MONDO:0013986, OMIM 614946.

gnomAD v4.1: 1 of 1,614,134 alleles (0.000062%); highest among the groups gnomAD compares: Non-Finnish European, 0.000085%; no homozygotes.

Submission:

Foundation for Research in Genetics and Endocrinology, FRIGE's Institute of Human Genetics
Classification: Uncertain significance for Combined oxidative phosphorylation defect type 14. Last evaluated: 2025-09-17. Review status: criteria provided, single submitter. Criteria: ACMG Guidelines, 2015. Collection method: clinical testing. Allele origin: germline. Inheritance: Autosomal recessive inheritance. Affected: yes. Observed: 1 variant allele, 1 homozygote.
Comment: A homozygous missense variant in exon 2 of the FARS2 gene that results in the amino acid substitution of Isoleucine for Asparagine at codon 65 was detected. The observed variant has not been reported in the 1000 genomes and has a minor allele frequency of < 0.001% in the gnomAD databases. The in silico prediction of the variant is deleterious by SIFT, DANN and MutationTaster2. In summary, the variant meets our criteria to be classified as a variant of uncertain significance.